The following is an entry in ClinVar:

ClinVar aggregate classification (germline): Likely benign. Review status: reviewed by expert panel (3 of 4 stars). 7 submissions from 7 submitters: Likely benign (1). 6 of the submissions do not count toward it. Last evaluated 2017-06-29.

Conditions:
Hereditary cancer-predisposing syndrome. Also called: Tumor predisposition; Hereditary Cancer Syndrome; Hereditary neoplastic syndrome; Neoplastic Syndromes, Hereditary. Identifiers: Orphanet 140162, MedGen C0027672, MeSH D009386, MONDO:0015356.
Hereditary breast ovarian cancer syndrome. Also called: Breast and ovarian cancer; Hereditary breast and ovarian cancer syndrome; Hereditary breast and ovarian cancer; BRCA1- and BRCA2-Associated Hereditary Breast and Ovarian Cancer; Hereditary breast and ovarian cancer syndrome (HBOC); Hereditary breast and/or ovarian cancer syndrome. Identifiers: Orphanet 145, MedGen C0677776, MeSH D061325, MONDO:0003582. Disease mechanism: loss of function.
Breast-ovarian cancer, familial, susceptibility to, 2 (BROVCA2). Also called: BRCA2 Hereditary Breast and Ovarian Cancer. Identifiers: Orphanet 145, MedGen C2675520, MONDO:0012933, OMIM 612555. Disease mechanism: loss of function.

gnomAD v4.1: 1 of 1,613,866 alleles (0.000062%); no homozygotes.

Submissions (7):

Evidence-based Network for the Interpretation of Germline Mutant Alleles (ENIGMA)
Classification: Likely benign for Breast-ovarian cancer, familial, susceptibility to, 2. Last evaluated: 2017-06-29. Review status: reviewed by expert panel. Criteria: ENIGMA BRCA1/2 Classification Criteria (2017-06-29). Collection method: curation. Allele origin: germline.
Comment: Synonymous substitution variant, with low bioinformatic likelihood to result in a splicing aberration (Splicing prior probability 0.02).

Labcorp Genetics (formerly Invitae), Labcorp
Classification: Likely benign for Hereditary breast ovarian cancer syndrome. Last evaluated: 2025-01-07. Review status: criteria provided, single submitter. Criteria: Invitae Variant Classification Sherloc (09022015). Collection method: clinical testing. Allele origin: germline. Not counted in ClinVar's aggregate classification.

Quest Diagnostics Nichols Institute San Juan Capistrano
Classification: Uncertain significance. Last evaluated: 2023-05-17. Review status: criteria provided, single submitter. Criteria: Quest Diagnostics criteria. Collection method: clinical testing. Allele origin: unknown. Not counted in ClinVar's aggregate classification.
Comment: To the best of our knowledge, this variant has not been reported in the published literature. It also has not been reported in large, multi-ethnic general populations (Genome Aggregation Database). Analysis of this variant using software algorithms for the prediction of the effect of nucleotide changes on splicing yielded predictions that this variant does not affect BRCA2 mRNA splicing . Based on the available information, we are unable to determine the clinical significance of this variant.

Women's Health and Genetics/Laboratory Corporation of America, LabCorp
Classification: Likely benign. Last evaluated: 2019-08-21. Review status: criteria provided, single submitter. Criteria: LabCorp Variant Classification Summary - May 2015. Collection method: clinical testing. Allele origin: germline. Not counted in ClinVar's aggregate classification.

Color Diagnostics, LLC DBA Color Health
Classification: Likely benign for Hereditary cancer-predisposing syndrome. Last evaluated: 2019-03-29. Review status: criteria provided, single submitter. Criteria: ACMG Guidelines, 2015. Collection method: clinical testing. Allele origin: germline. Not counted in ClinVar's aggregate classification.

Ambry Genetics
Classification: Likely benign for Hereditary cancer-predisposing syndrome. Last evaluated: 2018-11-07. Review status: criteria provided, single submitter. Criteria: Ambry Variant Classification Scheme 2023. Collection method: clinical testing. Allele origin: germline. Not counted in ClinVar's aggregate classification.

GeneDx
Classification: Likely benign. Last evaluated: 2017-07-03. Review status: criteria provided, single submitter. Criteria: GeneDx Variant Classification (06012015). Collection method: clinical testing. Allele origin: germline. Affected: yes. Not counted in ClinVar's aggregate classification.
Comment: This variant is considered likely benign or benign based on one or more of the following criteria: it is a conservative change, it occurs at a poorly conserved position in the protein, it is predicted to be benign by multiple in silico algorithms, and/or has population frequency not consistent with disease.

NM_000059.4(BRCA2):c.4461A>G (p.Lys1487=)

Gene: BRCA2 (BRCA2 DNA repair associated; plus strand). Cytogenetic location: 13q13.1.
Variant type: single nucleotide variant.
Coding change: c.4461A>G on transcript NM_000059.4 (MANE Select); coding-DNA position 4461, A replaced by G.
Protein change: p.Lys1487=; no amino-acid change (lysine 1487 retained).
Molecular consequence: synonymous variant.
Genome position (GRCh38, 1-based): chr13:32,338,816, A>G. VCF-style: chr13-32338816-A-G. GRCh37 (hg19) VCF-style: chr13-32912953-A-G.
Identifiers: ClinVar variation 184236 (VCV000184236.20), dbSNP rs786201350, ClinGen allele CA020206.
Genomic context (GRCh38, chr13:32,338,816, plus strand): 5'-TTCTGACATAAGAAAGAACAAAATGGACATTCTAAGTTATGAGGAAACAGACATAGTTAA[A>G]CACAAAATACTGAAAGAAAGTGTCCCAGTTGGTACTGGAAATCAACTAGTGACCTTCCAG-3'
Protein context (NP_000050.3, residues 1477-1497): ILSYEETDIV[Lys1487=]HKILKESVPV